The following is an entry in ClinVar:

ClinVar aggregate classification (germline): Uncertain significance (1 of 4 stars; one submission).

Submission:

Center for Pediatric Genomic Medicine, Children's Mercy Hospital and Clinics
Classification: Uncertain significance. Last evaluated: 2015-12-22. Review status: criteria provided, single submitter. Criteria: ACMG Guidelines, 2015. Collection method: clinical testing. Allele origin: germline.
ClinVar note: Converted during submission from Uncertain Significance to Uncertain significance.

NC_012920.1(MT-ND5):m.12432C>T

Gene: MT-ND5 (mitochondrially encoded NADH dehydrogenase 5; plus strand).
Variant type: single nucleotide variant.
Genome position: chrM-12432-C-T.
Identifiers: ClinVar variation 235471 (VCV000235471.3), dbSNP rs878853046, ClinGen allele CA10581323.
Genomic context (GRCh38, chrMT:12,432, plus strand): 5'-GACTTCCCTAATTCCCCCCATCCTTACCACCCTCGTTAACCCTAACAAAAAAAACTCATA[C>T]CCCCATTATGTAAAATCCATTGTCGCATCCACCTTTATTATCAGTCTCTTCCCCACAACA-3'